The following is an entry in ClinVar:

ClinVar aggregate classification (germline): Conflicting classifications of pathogenicity. Review status: criteria provided, conflicting classifications (1 of 4 stars). 3 submissions from 3 submitters: Pathogenic (1); Likely pathogenic (1); Uncertain significance (1). Last evaluated 2023-09-17.

Conditions:
Glycogen storage disease, type II (IOPD). Also called: Glycogen storage disease type 2; Acid maltase deficiency disease; Aglucosidase alfa; Deficiency of alpha-glucosidase; Deficiency of lysosomal alpha-glucosidase; GLYCOGEN STORAGE DISEASE II, INFANTILE-ONSET. Identifiers: Orphanet 365, MedGen C0017921, MONDO:0009290, OMIM 232300.

Allele frequency attached by ClinVar (database versions not stated): gnomAD exomes below 0.00001.
gnomAD v4.1: 1 of 1,610,836 alleles (0.000062%); no homozygotes.

Submissions (3):

Institute of Medical Genetics and Genomics, Sir Ganga Ram Hospital
Classification: Likely pathogenic for Glycogen storage disease, type II. Last evaluated: 2023-09-17. Review status: criteria provided, single submitter. Criteria: ACMG Guidelines, 2015. Collection method: clinical testing. Allele origin: germline. Inheritance: Autosomal recessive inheritance. Affected: yes. Observed: 1 heterozygote.

Foundation for Research in Genetics and Endocrinology, FRIGE's Institute of Human Genetics
Classification: Pathogenic for Glycogen storage disease, type II. Last evaluated: 2023-06-24. Review status: criteria provided, single submitter. Criteria: ACMG Guidelines, 2015. Collection method: clinical testing. Allele origin: germline. Inheritance: Autosomal recessive inheritance. Affected: yes. Observed: 1 compound heterozygote.
Comment: A heterozygous missense variant in exon 13 of the SMPD1 gene that results in the amino acid substitution of Arginine for Glycine at codon 621 was detected. The observed variant c.1861T>C (p.Trp621Arg) has not been reported in the 1000 genomes database and has a MAF of 0.0004% in the gnomAD databases. The in silico prediction of the variant are possibly damaging by PolyPhen-2, MutationTaster2, SIFT and DANN. In summary, the variant meets our criteria to be classified as pathogenic.

Revvity Omics, Revvity
Classification: Uncertain significance. Last evaluated: 2021-11-05. Review status: criteria provided, single submitter. Criteria: ACMG Guidelines, 2015. Collection method: clinical testing. Allele origin: germline.

NM_000152.5(GAA):c.1861T>C (p.Trp621Arg)

Gene: GAA (alpha glucosidase; plus strand). Cytogenetic location: 17q25.3.
Variant type: single nucleotide variant.
Coding change: c.1861T>C on transcript NM_000152.5 (MANE Select); coding-DNA position 1861, T replaced by C.
Protein change: p.Trp621Arg; replaces tryptophan 621 with arginine.
Molecular consequence: missense variant.
Genome position (GRCh38, 1-based): chr17:80,112,684, T>C. VCF-style: chr17-80112684-T-C. GRCh37 (hg19) VCF-style: chr17-78086483-T-C.
Other names: p.Trp621Arg; c.1861T>C, p.Trp621Arg (NM_001079803.3, NM_001079804.3, NM_001406741.1 and 1 more transcripts); short protein forms W621R.
Identifiers: ClinVar variation 2441621 (VCV002441621.6), dbSNP rs1327361418, ClinGen allele CA401369676.